The following is an entry in ClinVar:

NM_002454.3(MTRR):c.865G>A (p.Ala289Thr)

Gene: MTRR (5-methyltetrahydrofolate-homocysteine methyltransferase reductase; plus strand). Cytogenetic location: 5p15.31.
Variant type: single nucleotide variant.
Coding change: c.865G>A on transcript NM_002454.3 (MANE Select); coding-DNA position 865, G replaced by A.
Protein change: p.Ala289Thr; replaces alanine 289 with threonine.
Molecular consequence: missense variant. On other transcripts: non-coding transcript variant (14).
Genome position (GRCh38, 1-based): chr5:7,883,239, G>A. VCF-style: chr5-7883239-G-A. GRCh37 (hg19) VCF-style: chr5-7883352-G-A.
Other names: c.865G>A, p.Ala289Thr (NM_024010.4, NM_001364440.2, NM_001364441.2 and 1 more transcripts); short protein forms A289T.
Identifiers: ClinVar variation 1412265 (VCV001412265.5), dbSNP rs776031136, ClinGen allele CA3195717.
Genomic context (GRCh38, chr5:7,883,239, plus strand): 5'-TCAGCAGATCCAGTTTTTCAAGTGCCAATTTCAAAGGCAGTTCAACTTACTACGAATGAT[G>A]CCATAAAAACCACTCTGCTGGTAGAATTGGACATTTCAGTAAGTTGCAAAATTTATTTCT-3'
Protein context (NP_002445.2, residues 279-299): SKAVQLTTND[Ala289Thr]IKTTLLVELD

ClinVar aggregate classification (germline): Uncertain significance (1 of 4 stars; one submission).

Conditions:
Methylcobalamin deficiency type cblE (HMAE). Also called: HOMOCYSTINURIA-MEGALOBLASTIC ANEMIA, cblE COMPLEMENTATION TYPE; HOMOCYSTINURIA-MEGALOBLASTIC ANEMIA, cblE TYPE; VITAMIN B12-RESPONSIVE HOMOCYSTINURIA, cblE TYPE. Identifiers: Orphanet 2169, Orphanet 622, MedGen C1856057, MONDO:0009354, OMIM 236270.

Allele frequency attached by ClinVar (database versions not stated): gnomAD exomes below 0.00001; ExAC 0.00001.
gnomAD v4.1: 2 of 1,614,216 alleles (0.00012%); highest among the groups gnomAD compares: Admixed American, 0.0033%; no homozygotes.

Submission:

Labcorp Genetics (formerly Invitae), Labcorp
Classification: Uncertain significance for Methylcobalamin deficiency type cblE. Last evaluated: 2022-09-07. Review status: criteria provided, single submitter. Criteria: Invitae Variant Classification Sherloc (09022015). Collection method: clinical testing. Allele origin: germline.
Comment: This sequence change replaces alanine, which is neutral and non-polar, with threonine, which is neutral and polar, at codon 289 of the MTRR protein (p.Ala289Thr). This variant is present in population databases (rs776031136, gnomAD 0.003%). This variant has not been reported in the literature in individuals affected with MTRR-related conditions. ClinVar contains an entry for this variant (Variation ID: 1412265). Algorithms developed to predict the effect of missense changes on protein structure and function are either unavailable or do not agree on the potential impact of this missense change (SIFT: "Tolerated"; PolyPhen-2: "Probably Damaging"; Align-GVGD: "Class C0"). In summary, the available evidence is currently insufficient to determine the role of this variant in disease. Therefore, it has been classified as a Variant of Uncertain Significance.